The following is an entry in ClinVar:

NM_002432.3(MNDA):c.847G>A (p.Ala283Thr)

Gene: MNDA (myeloid cell nuclear differentiation antigen; plus strand). Cytogenetic location: 1q23.1.
Variant type: single nucleotide variant.
Coding change: c.847G>A on transcript NM_002432.3 (MANE Select); coding-DNA position 847, G replaced by A.
Protein change: p.Ala283Thr; replaces alanine 283 with threonine.
Molecular consequence: missense variant.
Genome position (GRCh38, 1-based): chr1:158,845,863, G>A. VCF-style: chr1-158845863-G-A. GRCh37 (hg19) VCF-style: chr1-158815653-G-A.
Other names: short protein forms A283T.
Identifiers: ClinVar variation 1763533 (VCV001763533.2), dbSNP rs1276427307, ClinGen allele CA343041987.
Genomic context (GRCh38, chr1:158,845,863, plus strand): 5'-AAGAAGGTCATTACCATATCTGATTACTCTGAATGTAAAGGAGTAATGGAAATAAAGGAA[G>A]CATCATCTGTGTCTGACTTTAATCAAAATTTTGAGGTCCCAAACAGAATTATCGAAATAG-3'
Protein context (NP_002423.1, residues 273-293): ECKGVMEIKE[Ala283Thr]SSVSDFNQNF

ClinVar aggregate classification (germline): Uncertain significance (1 of 4 stars; one submission).

Allele frequency attached by ClinVar (database versions not stated): gnomAD exomes 0.00001.
gnomAD v4.1: 3 of 1,614,152 alleles (0.00019%); highest among the groups gnomAD compares: Admixed American, 0.0017%; no homozygotes.

Submission:

Ambry Genetics
Classification: Uncertain significance. Last evaluated: 2022-09-03. Review status: criteria provided, single submitter. Criteria: Ambry Variant Classification Scheme 2023. Collection method: clinical testing. Allele origin: germline.
Comment: The p.A283T variant (also known as c.847G>A), located in coding exon 4 of the MNDA gene, results from a G to A substitution at nucleotide position 847. The alanine at codon 283 is replaced by threonine, an amino acid with similar properties. This amino acid position is conserved. In addition, this alteration is predicted to be tolerated by in silico analysis. Since supporting evidence is limited at this time, the clinical significance of this alteration remains unclear.